The following is an entry in ClinVar:

NM_000051.4(ATM):c.1110del (p.Ser369_Tyr370insTer)

Gene: ATM (ATM serine/threonine kinase; plus strand). Cytogenetic location: 11q22.3.
Variant type: Deletion.
Coding change: c.1110del on transcript NM_000051.4 (MANE Select); coding-DNA position 1110, one base deleted (C; older notation c.1110delC).
Protein change: p.Ser369_Tyr370insTer.
Molecular consequence: nonsense.
Genome position (GRCh38, 1-based): chr11:108,248,977, C deleted. VCF-style (leftmost placement, unchanged base first): chr11-108248976-AC-A. GRCh37 (hg19) VCF-style: chr11-108119703-AC-A.
Other names: c.1110del, p.Ser369_Tyr370insTer (NM_001351834.2).
Identifiers: ClinVar variation 822185 (VCV000822185.13), dbSNP rs1591517456, ClinGen allele CA915947735.
Genomic context (GRCh38, chr11:108,248,976, plus strand): 5'-TTATTTTTATTTTACAGGTTTTTAATGAAGATACCAGATCCTTGGAGATTTCTCAATCTT[AC>A]ACTACTACACAAAGAGAATCTAGTGATTACAGTGTCCCTTGCAAAAGGAAGAAAATAGAA-3'

ClinVar aggregate classification (germline): Pathogenic. Review status: criteria provided, multiple submitters, no conflicts (2 of 4 stars). 4 submissions from 4 submitters: Pathogenic (4). Last evaluated 2025-09-28.

Conditions:
Hereditary cancer-predisposing syndrome. Also called: Hereditary Cancer Syndrome; Neoplastic Syndromes, Hereditary; Hereditary neoplastic syndrome; Tumor predisposition. Identifiers: Orphanet 140162, MedGen C0027672, MeSH D009386, MONDO:0015356.
Familial cancer of breast. Also called: Hereditary breast cancer; hereditary breast carcinoma; BREAST CANCER, FAMILIAL. Identifiers: Orphanet 227535, MedGen C0346153, MONDO:0016419, OMIM 114480. Disease mechanism: loss of function.
Ataxia-telangiectasia syndrome (AT). Also called: Cerebello-oculocutaneous telangiectasia; Immunodeficiency with ataxia telangiectasia; Ataxia-telangiectasia, complementation group E; Ataxia-telangiectasia, complementation group D; AT, COMPLEMENTATION GROUP C; ATAXIA-TELANGIECTASIA, COMPLEMENTATION GROUP A. Identifiers: Orphanet 100, MedGen C0004135, MONDO:0008840, OMIM 208900.

Submissions (4):

Labcorp Genetics (formerly Invitae), Labcorp
Classification: Pathogenic for Ataxia-telangiectasia syndrome. Last evaluated: 2025-09-28. Review status: criteria provided, single submitter. Criteria: Invitae Variant Classification Sherloc (09022015). Collection method: clinical testing. Allele origin: germline.
Comment: This sequence change creates a premature translational stop signal (p.Tyr370*) in the ATM gene. It is expected to result in an absent or disrupted protein product. Loss-of-function variants in ATM are known to be pathogenic (PMID: 23807571, 25614872). This variant is not present in population databases (gnomAD no frequency). This premature translational stop signal has been observed in individual(s) with ataxia-telangiectasia (PMID: 10330348, 12673797, 12815592). ClinVar contains an entry for this variant (Variation ID: 822185). Algorithms developed to predict the effect of sequence changes on RNA splicing suggest that this variant may disrupt the consensus splice site. For these reasons, this variant has been classified as Pathogenic.

Ambry Genetics
Classification: Pathogenic for Hereditary cancer-predisposing syndrome. Last evaluated: 2024-10-01. Review status: criteria provided, single submitter. Criteria: Ambry Variant Classification Scheme 2023. Collection method: clinical testing. Allele origin: germline.
Comment: The c.1110delC pathogenic mutation, located in coding exon 8 of the ATM gene, results from a deletion of one nucleotide at nucleotide position 1110, causing a translational frameshift with a predicted alternate stop codon (p.Y370*). This variant has been identified in the homozygous state and/or in conjunction with other ATM variant(s) in individual(s) who met clinical criteria for ataxia-telangiectasia (A-T) (Teraoka SN et al. Am. J. Hum. Genet. 1999 Jun;64:1617-31; Mitui M et al. Hum. Mutat. 2003 Jul;22:43-50; Bernstein JL et al. Hum Mutat, 2003 May;21:542-50). This variant is considered to be rare based on population cohorts in the Genome Aggregation Database (gnomAD). In addition to the clinical data presented in the literature, this alteration is expected to result in loss of function by premature protein truncation or nonsense-mediated mRNA decay. As such, this alteration is interpreted as a disease-causing mutation.

Myriad Genetics, Inc.
Classification: Pathogenic for Familial cancer of breast. Last evaluated: 2024-01-12. Review status: criteria provided, single submitter. Criteria: Myriad Autosomal Dominant, Autosomal Recessive and X-Linked Classification Criteria (2023). Collection method: clinical testing. Allele origin: unknown.
Comment: This variant is considered pathogenic. This variant creates a termination codon and is predicted to result in premature protein truncation.

Baylor Genetics
Classification: Pathogenic for Familial cancer of breast. Last evaluated: 2023-03-28. Review status: criteria provided, single submitter. Criteria: ACMG Guidelines, 2015. Collection method: clinical testing. Allele origin: unknown.

Literature cited by the submitters: PubMed 23807571 (cited by Labcorp Genetics (formerly Invitae), Labcorp); PubMed 25614872 (cited by Labcorp Genetics (formerly Invitae), Labcorp and Ambry Genetics); PubMed 10330348 (cited by Labcorp Genetics (formerly Invitae), Labcorp and Ambry Genetics); PubMed 12673797 (cited by Labcorp Genetics (formerly Invitae), Labcorp and Ambry Genetics); PubMed 12815592 (cited by Labcorp Genetics (formerly Invitae), Labcorp and Ambry Genetics); PubMed 28423702 (cited by Ambry Genetics); PubMed 28580595 (cited by Ambry Genetics); PubMed 28779002 (cited by Ambry Genetics).